The following is an entry in ClinVar:

NM_001395159.1(UNC79):c.6049+6T>G

Gene: UNC79 (unc-79 subunit of NALCN channel complex; plus strand). Cytogenetic location: 14q32.12.
Variant type: single nucleotide variant.
Coding change: c.6049+6T>G on transcript NM_001395159.1 (MANE Select); 6 bases into the intron after coding-DNA position 6049, T replaced by G.
Molecular consequence: intron variant.
Genome position (GRCh38, 1-based): chr14:93,634,643, T>G. VCF-style: chr14-93634643-T-G. GRCh37 (hg19) VCF-style: chr14-94100989-T-G.
Other names: c.5302+6T>G (NM_020818.5); c.5983+6T>G (NM_001346218.2).
Identifiers: ClinVar variation 4719809 (VCV004719809.1).
Genomic context (GRCh38, chr14:93,634,643, plus strand): 5'-CGGCAGCTGGAGCATCAGTCTAGCGCCCCCCATAACATCAGCAACTGGGACACTGGTGGG[T>G]CAAGCTTTTTCTTCTCATTCTACCTCTCGGATTAGTGAATGCTACTTTCTCTGTGTCCAC-3'

ClinVar aggregate classification (germline): Uncertain significance (1 of 4 stars; one submission).

gnomAD v4.1: 1 of 1,610,114 alleles (0.000062%); highest among the groups gnomAD compares: Non-Finnish European, 0.000085%; no homozygotes.

Submission:

Labcorp Genetics (formerly Invitae), Labcorp
Classification: Uncertain significance. Last evaluated: 2025-05-19. Review status: criteria provided, single submitter. Criteria: Invitae Variant Classification Sherloc (09022015). Collection method: clinical testing. Allele origin: germline.
Comment: This sequence change falls in intron 32 of the UNC79 gene. It does not directly change the encoded amino acid sequence of the UNC79 protein. It affects a nucleotide within the consensus splice site. This variant is not present in population databases (gnomAD no frequency). This variant has not been reported in the literature in individuals affected with UNC79-related conditions. Variants that disrupt the consensus splice site are a relatively common cause of aberrant splicing (PMID: 17576681, 9536098). Algorithms developed to predict the effect of sequence changes on RNA splicing suggest that this variant may disrupt the consensus splice site. In summary, the available evidence is currently insufficient to determine the role of this variant in disease. Therefore, it has been classified as a Variant of Uncertain Significance.

Literature cited by the submitters: PubMed 17576681; PubMed 9536098.